The following is an entry in ClinVar:

NM_020821.3(VPS13C):c.2823G>T (p.Gln941His)

Gene: VPS13C (vacuolar protein sorting 13 homolog C; minus strand). Cytogenetic location: 15q22.2.
Variant type: single nucleotide variant.
Coding change: c.2823G>T on transcript NM_020821.3 (MANE Select); coding-DNA position 2823, G replaced by T.
Protein change: p.Gln941His; replaces glutamine 941 with histidine.
Molecular consequence: missense variant.
Genome position (GRCh38, 1-based): chr15:61,969,387, C>A on the plus strand (G>T on the coding strand, the complement: VPS13C is on the minus strand). VCF-style: chr15-61969387-C-A. GRCh37 (hg19) VCF-style: chr15-62261586-C-A.
Other names: c.2823G>T, p.Gln941His (NM_001018088.3); c.2694G>T, p.Gln898His (NM_017684.5, NM_018080.4); short protein forms Q941H, Q898H.
Identifiers: ClinVar variation 1983938 (VCV001983938.4), dbSNP rs146940194, ClinGen allele CA7596583.

ClinVar aggregate classification (germline): Uncertain significance (1 of 4 stars; one submission).

Allele frequency attached by ClinVar (database versions not stated): ExAC 0.00001; gnomAD 0.00001; TOPMed 0.00002; ESP Exome Variant Server 0.00008.
gnomAD v4.1: 5 of 1,597,064 alleles (0.00031%); highest among the groups gnomAD compares: African/African-American, 0.0013%; no homozygotes.

Submission:

Labcorp Genetics (formerly Invitae), Labcorp
Classification: Uncertain significance. Last evaluated: 2022-06-27. Review status: criteria provided, single submitter. Criteria: Invitae Variant Classification Sherloc (09022015). Collection method: clinical testing. Allele origin: germline.
Comment: In summary, the available evidence is currently insufficient to determine the role of this variant in disease. Therefore, it has been classified as a Variant of Uncertain Significance. Algorithms developed to predict the effect of sequence changes on RNA splicing suggest that this variant may create or strengthen a splice site. Algorithms developed to predict the effect of missense changes on protein structure and function output the following: SIFT: "Tolerated"; PolyPhen-2: "Benign"; Align-GVGD: "Class C0". The histidine amino acid residue is found in multiple mammalian species, which suggests that this missense change does not adversely affect protein function. This variant has not been reported in the literature in individuals affected with VPS13C-related conditions. The frequency data for this variant in the population databases is considered unreliable, as metrics indicate poor data quality at this position in the gnomAD database. This sequence change replaces glutamine, which is neutral and polar, with histidine, which is basic and polar, at codon 941 of the VPS13C protein (p.Gln941His).